The following is an entry in ClinVar:

NM_001048174.2(MUTYH):c.1247A>T (p.His416Leu)

Gene: MUTYH (mutY DNA glycosylase; minus strand). Cytogenetic location: 1p34.1.
Variant type: single nucleotide variant.
Coding change: c.1247A>T on transcript NM_001048174.2 (MANE Select); coding-DNA position 1247, A replaced by T.
Protein change: p.His416Leu; replaces histidine 416 with leucine.
Molecular consequence: missense variant. On other transcripts: non-coding transcript variant (7).
Genome position (GRCh38, 1-based): chr1:45,331,327, T>A on the plus strand (A>T on the coding strand, the complement: MUTYH is on the minus strand). VCF-style: chr1-45331327-T-A. GRCh37 (hg19) VCF-style: chr1-45796999-T-A.
Other names: c.1247A>T, p.His416Leu (NM_001048171.2, NM_001048173.2, NM_001293195.2 and 6 more transcripts); c.1250A>T, p.His417Leu (NM_001048172.2, NM_001407071.1, NM_001407078.1 and 1 more transcripts); c.1331A>T, p.His444Leu (NM_001128425.2); c.1292A>T, p.His431Leu (NM_001293190.2); c.1280A>T, p.His427Leu (NM_001293191.2, NM_001407069.1, NM_001407077.1); c.971A>T, p.His324Leu (NM_001293192.2, NM_001293196.2, NM_001407091.1); c.902A>T, p.His301Leu (NM_001350650.2, NM_001350651.2, NM_001407082.1); c.1163A>T, p.His388Leu (NM_001407075.1); and 5 more; short protein forms H301L, H324L, H388L, H402L, H403L, H416L, H417L, H423L.
Identifiers: ClinVar variation 3233022 (VCV003233022.1), dbSNP rs144309934, ClinGen allele CA340132795.

ClinVar aggregate classification (germline): Uncertain significance (1 of 4 stars; one submission).

Conditions:
Hereditary cancer-predisposing syndrome. Also called: Neoplastic Syndromes, Hereditary; Tumor predisposition; Hereditary neoplastic syndrome; Hereditary Cancer Syndrome. Identifiers: Orphanet 140162, MedGen C0027672, MeSH D009386, MONDO:0015356.

Submission:

Ambry Genetics
Classification: Uncertain significance for Hereditary cancer-predisposing syndrome. Last evaluated: 2024-01-10. Review status: criteria provided, single submitter. Criteria: Ambry Variant Classification Scheme 2023. Collection method: clinical testing. Allele origin: germline.
Comment: The p.H444L variant (also known as c.1331A>T), located in coding exon 14 of the MUTYH gene, results from an A to T substitution at nucleotide position 1331. The histidine at codon 444 is replaced by leucine, an amino acid with similar properties. This amino acid position is highly conserved in available vertebrate species. In addition, this alteration is predicted to be deleterious by in silico analysis. Since supporting evidence is limited at this time, the clinical significance of this alteration remains unclear.